The following is an entry in ClinVar:

NM_004100.5(EYA4):c.1064G>A (p.Gly355Asp)

Gene: EYA4 (EYA transcriptional coactivator and phosphatase 4; plus strand). Cytogenetic location: 6q23.2.
Variant type: single nucleotide variant.
Coding change: c.1064G>A on transcript NM_004100.5 (MANE Select); coding-DNA position 1064, G replaced by A.
Protein change: p.Gly355Asp; replaces glycine 355 with aspartic acid.
Molecular consequence: missense variant.
Genome position (GRCh38, 1-based): chr6:133,481,556, G>A. VCF-style: chr6-133481556-G-A. GRCh37 (hg19) VCF-style: chr6-133802694-G-A.
Other names: c.1064G>A (NM_004100.4); c.902G>A, p.Gly301Asp (NM_001301012.2); c.1082G>A, p.Gly361Asp (NM_001301013.2); c.995G>A, p.Gly332Asp (NM_001370458.1, NM_172103.4); c.920G>A, p.Gly307Asp (NM_001370459.1); c.1064G>A, p.Gly355Asp (NM_172105.4); short protein forms G301D, G307D, G355D, G361D, G332D.
Identifiers: ClinVar variation 2868851 (VCV002868851.4), dbSNP rs1212142790, ClinGen allele CA365706496.

ClinVar aggregate classification (germline): Uncertain significance. Review status: criteria provided, multiple submitters, no conflicts (2 of 4 stars). 2 submissions from 2 submitters: Uncertain significance (2). Last evaluated 2024-12-21.

Conditions:
Dilated cardiomyopathy 1J (CMD1J). Also called: CARDIOMYOPATHY, DILATED, WITH SENSORINEURAL HEARING LOSS, AUTOSOMAL DOMINANT. Identifiers: Orphanet 217622, MedGen C1854368, MONDO:0011541, OMIM 605362.
Cardiovascular phenotype. Identifiers: MedGen CN230736.

Allele frequency attached by ClinVar (database versions not stated): TOPMed below 0.00001; gnomAD 0.00001.
gnomAD v4.1: 3 of 1,613,878 alleles (0.00019%); highest among the groups gnomAD compares: Non-Finnish European, 0.00025%; no homozygotes.

Submissions (2):

Ambry Genetics
Classification: Uncertain significance for Cardiovascular phenotype. Last evaluated: 2024-12-21. Review status: criteria provided, single submitter. Criteria: Ambry Variant Classification Scheme 2023. Collection method: clinical testing. Allele origin: germline.
Comment: The p.G355D variant (also known as c.1064G>A), located in coding exon 11 of the EYA4 gene, results from a G to A substitution at nucleotide position 1064. The glycine at codon 355 is replaced by aspartic acid, an amino acid with similar properties. This amino acid position is conserved. In addition, the in silico prediction for this alteration is inconclusive. Based on the available evidence, the clinical significance of this variant remains unclear.

Labcorp Genetics (formerly Invitae), Labcorp
Classification: Uncertain significance for Dilated cardiomyopathy 1J. Last evaluated: 2023-08-07. Review status: criteria provided, single submitter. Criteria: Invitae Variant Classification Sherloc (09022015). Collection method: clinical testing. Allele origin: germline.
Comment: This sequence change replaces glycine, which is neutral and non-polar, with aspartic acid, which is acidic and polar, at codon 355 of the EYA4 protein (p.Gly355Asp). This variant is not present in population databases (gnomAD no frequency). This variant has not been reported in the literature in individuals affected with EYA4-related conditions. Advanced modeling of protein sequence and biophysical properties (such as structural, functional, and spatial information, amino acid conservation, physicochemical variation, residue mobility, and thermodynamic stability) performed at Invitae indicates that this missense variant is not expected to disrupt EYA4 protein function. In summary, the available evidence is currently insufficient to determine the role of this variant in disease. Therefore, it has been classified as a Variant of Uncertain Significance.